The following is an entry in ClinVar:

ClinVar aggregate classification (germline): Uncertain significance (1 of 4 stars; one submission).

gnomAD v4.1: 19 of 1,612,050 alleles (0.0012%); highest among the groups gnomAD compares: African/African-American, 0.013%; no homozygotes.

Submission:

Labcorp Genetics (formerly Invitae), Labcorp
Classification: Uncertain significance. Last evaluated: 2024-07-17. Review status: criteria provided, single submitter. Criteria: Invitae Variant Classification Sherloc (09022015). Collection method: clinical testing. Allele origin: germline.
Comment: This sequence change replaces valine, which is neutral and non-polar, with glycine, which is neutral and non-polar, at codon 427 of the LSR protein (p.Val427Gly). This variant is present in population databases (rs139438345, gnomAD 0.01%). This variant has not been reported in the literature in individuals affected with LSR-related conditions. An algorithm developed to predict the effect of missense changes on protein structure and function (PolyPhen-2) suggests that this variant is likely to be tolerated. In summary, the available evidence is currently insufficient to determine the role of this variant in disease. Therefore, it has been classified as a Variant of Uncertain Significance.

NM_205834.4(LSR):c.1136T>G (p.Val379Gly)

Gene: LSR (lipolysis stimulated lipoprotein receptor; plus strand). Cytogenetic location: 19q13.12.
Variant type: single nucleotide variant.
Coding change: c.1136T>G on transcript NM_205834.4 (MANE Select); coding-DNA position 1136, T replaced by G.
Protein change: p.Val379Gly; replaces valine 379 with glycine.
Molecular consequence: missense variant.
Genome position (GRCh38, 1-based): chr19:35,266,959, T>G. VCF-style: chr19-35266959-T-G. GRCh37 (hg19) VCF-style: chr19-35757862-T-G.
Other names: c.1076T>G, p.Val359Gly (NM_001260489.2); c.812T>G, p.Val271Gly (NM_001260490.2); c.929T>G, p.Val310Gly (NM_001385215.1); c.1079T>G, p.Val360Gly (NM_015925.7); c.932T>G, p.Val311Gly (NM_205835.4); short protein forms V271G, V310G, V311G, V359G, V360G, V379G.
Identifiers: ClinVar variation 3625399 (VCV003625399.2).